The following is an entry in ClinVar:

NM_001365276.2(TNXB):c.2389C>G (p.Arg797Gly)

Gene: TNXB (tenascin XB; minus strand). Cytogenetic location: 6p21.33.
Variant type: single nucleotide variant.
Coding change: c.2389C>G on transcript NM_001365276.2 (MANE Select); coding-DNA position 2389, C replaced by G.
Protein change: p.Arg797Gly; replaces arginine 797 with glycine.
Molecular consequence: missense variant.
Genome position (GRCh38, 1-based): chr6:32,089,349, G>C on the plus strand (C>G on the coding strand, the complement: TNXB is on the minus strand). VCF-style: chr6-32089349-G-C. GRCh37 (hg19) VCF-style: chr6-32057126-G-C.
Other names: c.2389C>G, p.Arg797Gly (NM_001428335.1, NM_019105.8); short protein forms R797G.
Identifiers: ClinVar variation 4615141 (VCV004615141.1).

ClinVar aggregate classification (germline): Uncertain significance (1 of 4 stars; one submission).

Conditions:
Cardiovascular phenotype. Identifiers: MedGen CN230736.

gnomAD v4.1: 1 of 1,608,232 alleles (0.000062%); highest among the groups gnomAD compares: Non-Finnish European, 0.000085%; no homozygotes.

Submission:

Ambry Genetics
Classification: Uncertain significance for Cardiovascular phenotype. Last evaluated: 2025-09-21. Review status: criteria provided, single submitter. Criteria: Ambry Variant Classification Scheme 2023. Collection method: clinical testing. Allele origin: germline.
Comment: The p.R797G variant (also known as c.2389C>G), located in coding exon 4 of the TNXB gene, results from a C to G substitution at nucleotide position 2389. The arginine at codon 797 is replaced by glycine, an amino acid with dissimilar properties. This amino acid position is conserved. In addition, this alteration is predicted to be tolerated by in silico analysis. Based on the available evidence, the clinical significance of this variant remains unclear.